The following is an entry in ClinVar:

NM_006904.7(PRKDC):c.8744G>A (p.Arg2915His)

Genes: PRKDC (protein kinase, DNA-activated, catalytic subunit; minus strand), LOC121740717 (Sharpr-MPRA regulatory region 7649; plus strand). Cytogenetic location: 8q11.21.
Variant type: single nucleotide variant.
Coding change: c.8744G>A on transcript NM_006904.7 (MANE Select); coding-DNA position 8744, G replaced by A.
Protein change: p.Arg2915His; replaces arginine 2915 with histidine.
Molecular consequence: missense variant.
Genome position (GRCh38, 1-based): chr8:47,826,695, C>T on the plus strand (G>A on the coding strand, the complement: PRKDC is on the minus strand). VCF-style: chr8-47826695-C-T. GRCh37 (hg19) VCF-style: chr8-48739256-C-T.
Other names: c.8744G>A, p.Arg2915His (NM_001081640.2); short protein forms R2915H.
Identifiers: ClinVar variation 1016007 (VCV001016007.3), dbSNP rs370540517, ClinGen allele CA4739753.

ClinVar aggregate classification (germline): Uncertain significance (1 of 4 stars; one submission).

Conditions:
Severe combined immunodeficiency due to DNA-PKcs deficiency. Also called: IMMUNODEFICIENCY 26 WITH NEUROLOGIC ABNORMALITIES; Immunodeficiency 26 with or without neurologic abnormalities. Identifiers: Orphanet 317425, MedGen C4014833, MONDO:0014423, OMIM 615966.

Allele frequency attached by ClinVar (database versions not stated): gnomAD 0.00001; TOPMed 0.00002; ExAC 0.00003; gnomAD exomes 0.00006; ESP Exome Variant Server 0.00008.
gnomAD v4.1: 39 of 1,612,962 alleles (0.0024%); highest among the groups gnomAD compares: South Asian, 0.022%; no homozygotes.

Submission:

Labcorp Genetics (formerly Invitae), Labcorp
Classification: Uncertain significance for Severe combined immunodeficiency due to DNA-PKcs deficiency. Last evaluated: 2024-02-24. Review status: criteria provided, single submitter. Criteria: Invitae Variant Classification Sherloc (09022015). Collection method: clinical testing. Allele origin: germline.
Comment: This sequence change replaces arginine, which is basic and polar, with histidine, which is basic and polar, at codon 2915 of the PRKDC protein (p.Arg2915His). This variant is present in population databases (rs370540517, gnomAD 0.02%). This variant has not been reported in the literature in individuals affected with PRKDC-related conditions. ClinVar contains an entry for this variant (Variation ID: 1016007). Advanced modeling of protein sequence and biophysical properties (such as structural, functional, and spatial information, amino acid conservation, physicochemical variation, residue mobility, and thermodynamic stability) performed at Invitae indicates that this missense variant is not expected to disrupt PRKDC protein function with a negative predictive value of 80%. In summary, the available evidence is currently insufficient to determine the role of this variant in disease. Therefore, it has been classified as a Variant of Uncertain Significance.